The following is an entry in ClinVar:

ClinVar aggregate classification (germline): Uncertain significance. Review status: reviewed by expert panel (3 of 4 stars). 6 submissions from 6 submitters: Uncertain significance (1). 5 of the submissions do not count toward it. Last evaluated 2018-12-10.

Conditions:
Phenylketonuria (PKU). Also called: Phenylketonuria (PKU); FOLLING DISEASE; OLIGOPHRENIA PHENYLPYRUVICA; Phenylketonurias. Identifiers: Orphanet 716, MedGen C0031485, MONDO:0009861, OMIM 261600. Disease mechanism: loss of function.

Allele frequency attached by ClinVar (database versions not stated): gnomAD exomes 0.00001; ExAC 0.00002.
gnomAD v4.1: 12 of 1,614,138 alleles (0.00074%); highest among the groups gnomAD compares: Non-Finnish European, 0.00093%; no homozygotes.

Submissions (6):

ClinGen PAH Variant Curation Expert Panel
Classification: Uncertain significance for Phenylketonuria. Last evaluated: 2018-12-10. Review status: reviewed by expert panel. Criteria: ClinGen PAH ACMG Specifications v1. Collection method: curation. Allele origin: germline. Inheritance: Autosomal recessive inheritance.
Comment: (BH4 deficiency excluded. PMID: 8222245, 26600521) This variant is absent from 1000G and ESP with extremely low frequency in ExAC/gnomAD (MAF=0.00003). It is predicted deleterious in SIFT, Polyphen2, MutationTaster, and REVEL=0.929. In summary, this variant meets criteria to be classified as uncertain significance for PAH. PAH-specific ACMG/AMP criteria applied: PM2, PP4_Moderate, PP3.

Myriad Genetics, Inc.
Classification: Likely pathogenic for Phenylketonuria. Last evaluated: 2025-12-31. Review status: criteria provided, single submitter. Criteria: Myriad Autosomal Dominant, Autosomal Recessive and X-Linked Classification Criteria (2023). Collection method: clinical testing. Allele origin: unknown. Not counted in ClinVar's aggregate classification.
Comment: NM_000277.1(PAH):c.789C>G(F263L) is a missense variant classified as likely pathogenic in the context of phenylalanine hydroxylase deficiency. F263L has been observed in cases with relevant disease (PMID: 32668217, 8222245, 23357515, 35952926). Relevant functional assessments of this variant are not available in the literature. Internal structural analysis of the variant is supportive of pathogenicity. F263L has been observed in referenced population frequency databases. In summary, NM_000277.1(PAH):c.789C>G(F263L) is a missense variant that has internal structural support for pathogenicity and has been observed more frequently in cases with the relevant disease than in healthy populations. Please note: this variant was assessed in the context of healthy population screening.

Labcorp Genetics (formerly Invitae), Labcorp
Classification: Pathogenic for Phenylketonuria. Last evaluated: 2023-12-20. Review status: criteria provided, single submitter. Criteria: Invitae Variant Classification Sherloc (09022015). Collection method: clinical testing. Allele origin: germline. Not counted in ClinVar's aggregate classification.
Comment: This sequence change replaces phenylalanine, which is neutral and non-polar, with leucine, which is neutral and non-polar, at codon 263 of the PAH protein (p.Phe263Leu). This variant is present in population databases (rs62642944, gnomAD 0.003%). This missense change has been observed in individual(s) with PAH-related conditions (PMID: 7844888, 8222245, 26600521, 32668217). In at least one individual the data is consistent with being in trans (on the opposite chromosome) from a pathogenic variant. ClinVar contains an entry for this variant (Variation ID: 102833). Advanced modeling of protein sequence and biophysical properties (such as structural, functional, and spatial information, amino acid conservation, physicochemical variation, residue mobility, and thermodynamic stability) performed at Invitae indicates that this missense variant is expected to disrupt PAH protein function with a positive predictive value of 80%. For these reasons, this variant has been classified as Pathogenic.

Baylor Genetics
Classification: Pathogenic for Phenylketonuria. Last evaluated: 2023-08-23. Review status: criteria provided, single submitter. Criteria: ACMG Guidelines, 2015. Collection method: clinical testing. Allele origin: unknown. Not counted in ClinVar's aggregate classification.

GeneDx
Classification: Pathogenic. Last evaluated: 2019-12-06. Review status: criteria provided, single submitter. Criteria: GeneDx Variant Classification Process June 2021. Collection method: clinical testing. Allele origin: germline. Affected: yes. Not counted in ClinVar's aggregate classification.
Comment: Reported previously in association with phenylalanine hydroxylase deficiency (Takarada et al., 1993; Liu et al., 2015; Reblova et al., 2013); Published functional studies demonstrate a damaging effect with 5% residual PAH activity compared to wild-type (Lagler et al., 2010); In silico analysis, which includes protein predictors and evolutionary conservation, supports a deleterious effect; Not observed at a significant frequency in large population cohorts (Lek et al., 2016); This variant is associated with the following publications: (PMID: 32668217, 26600521, 20705059, 7844888, 23357515, 8222245)

DeBelle Laboratory for Biochemical Genetics, MUHC/MCH RESEARCH INSTITUTE
No classification provided. Review status: no classification provided. Collection method: not provided. Allele origin: not provided. Not counted in ClinVar's aggregate classification.

Literature cited by the submitters: PubMed 26600521 (cited by ClinGen PAH Variant Curation Expert Panel and Labcorp Genetics (formerly Invitae), Labcorp); PubMed 8222245 (cited by 3 submitters); PubMed 23357515 (cited by Myriad Genetics, Inc.); PubMed 32668217 (cited by Myriad Genetics, Inc. and Labcorp Genetics (formerly Invitae), Labcorp); PubMed 35952926 (cited by Myriad Genetics, Inc.); PubMed 7844888 (cited by Labcorp Genetics (formerly Invitae), Labcorp).

NM_000277.3(PAH):c.789C>G (p.Phe263Leu)

Gene: PAH (phenylalanine hydroxylase; minus strand). Cytogenetic location: 12q23.2.
Variant type: single nucleotide variant.
Coding change: c.789C>G on transcript NM_000277.3 (MANE Select); coding-DNA position 789, C replaced by G.
Protein change: p.Phe263Leu; replaces phenylalanine 263 with leucine.
Molecular consequence: missense variant.
Genome position (GRCh38, 1-based): chr12:102,852,868, G>C on the plus strand (C>G on the coding strand, the complement: PAH is on the minus strand). VCF-style: chr12-102852868-G-C. GRCh37 (hg19) VCF-style: chr12-103246646-G-C.
Other names: NM_000277.2(PAH):c.789C>G; c.789C>G, p.Phe263Leu (NM_001354304.2); short protein forms F263L.
Identifiers: ClinVar variation 102833 (VCV000102833.10), dbSNP rs62642944, ClinGen allele CA229760.